The following is an entry in ClinVar:

ClinVar aggregate classification (germline): Likely pathogenic. Review status: reviewed by expert panel (3 of 4 stars). 7 submissions from 7 submitters: Likely pathogenic (1). 6 of the submissions do not count toward it. Last evaluated 2022-03-08.

Conditions:
ACADVL-related disorder. Also called: ACADVL-related condition.
Very long chain acyl-CoA dehydrogenase deficiency (ACADVLD). Also called: VLCAD Deficiency; Very Long-Chain Acyl-Coenzyme A Dehydrogenase Deficiency. Identifiers: Orphanet 26793, MedGen C3887523, MONDO:0008723, OMIM 201475.

Allele frequency attached by ClinVar (database versions not stated): gnomAD exomes below 0.00001; ExAC 0.00001; gnomAD 0.00001; TOPMed 0.00002; ESP Exome Variant Server 0.00008.
gnomAD v4.1: 3 of 1,613,778 alleles (0.00019%); highest among the groups gnomAD compares: African/African-American, 0.004%; no homozygotes.

Submissions (7):

ClinGen ACADVL Variant Curation Expert Panel, ClinGen
Classification: Likely pathogenic for Very long chain acyl-CoA dehydrogenase deficiency. Last evaluated: 2022-03-08. Review status: reviewed by expert panel. Criteria: clingen acadvl acmg specifications v1. Collection method: curation. Allele origin: germline. Inheritance: Autosomal recessive inheritance.
Comment: The c.603C>G (p.Tyr201Ter) variant in ACADVL is a nonsense variant predicted to cause a premature stop codon in biologically relevant exon 7/20 leading to nonsense mediated decay in a gene in which loss-of-function is an established disease mechanism (PVS1; PMIDs 9973285, 11590124). The highest population minor allele frequency in gnomAD v2.1.1 is 0.00006 in the African population, which is lower than the ClinGen ACADVL Variant Curation Expert Panel threshold (<0.001) for PM2_Supporting, meeting this criterion (PM2_Supporting). The variant has been observed in only one publication with no information provided about the proband (PMID: 25087612). The ACADVL Variant Curation Expert Panel VCEP classified the variant as likely pathogenic based on PVS1+PM2_Supporting (VCEP specifications v2.0, approved on 09/16/2021).

Labcorp Genetics (formerly Invitae), Labcorp
Classification: Pathogenic for Very long chain acyl-CoA dehydrogenase deficiency. Last evaluated: 2025-05-05. Review status: criteria provided, single submitter. Criteria: Invitae Variant Classification Sherloc (09022015). Collection method: clinical testing. Allele origin: germline. Not counted in ClinVar's aggregate classification.
Comment: This sequence change creates a premature translational stop signal (p.Tyr201*) in the ACADVL gene. It is expected to result in an absent or disrupted protein product. Loss-of-function variants in ACADVL are known to be pathogenic (PMID: 9973285, 11590124). This variant is present in population databases (rs371407903, gnomAD 0.007%). This variant has not been reported in the literature in individuals affected with ACADVL-related conditions. ClinVar contains an entry for this variant (Variation ID: 554491). Algorithms developed to predict the effect of sequence changes on RNA splicing suggest that this variant may disrupt the consensus splice site. For these reasons, this variant has been classified as Pathogenic.

Natera, Inc.
Classification: Pathogenic for Very long chain acyl-CoA dehydrogenase deficiency. Last evaluated: 2024-07-15. Review status: criteria provided, single submitter. Criteria: Natera Variant Classification Schema (03/2026). Collection method: clinical testing. Allele origin: germline. Not counted in ClinVar's aggregate classification.
Comment: The c.603C>G variant in ACADVL is a nonsense variant predicted to introduce a stop codon at amino acid 201. This variant is expected to result in nonsense mediated decay, truncation, or a dysfunctional protein product. This variant is rare in the general population with a frequency below the threshold expected for the associated phenotype(s). This variant has been observed in one or more individuals affected with the associated recessive disease, as either homozygous or compound heterozygous with a second variant (PMID: 32798077). Given the available evidence, this variant is classified as Pathogenic.

Baylor Genetics
Classification: Pathogenic for Very long chain acyl-CoA dehydrogenase deficiency. Last evaluated: 2024-03-25. Review status: criteria provided, single submitter. Criteria: ACMG Guidelines, 2015. Collection method: clinical testing. Allele origin: unknown. Not counted in ClinVar's aggregate classification.

Wong Mito Lab, Molecular and Human Genetics, Baylor College of Medicine
Classification: Pathogenic for Very long chain acyl-CoA dehydrogenase deficiency. Last evaluated: 2019-11-01. Review status: criteria provided, single submitter. Criteria: ACMG Guidelines, 2015. Collection method: clinical testing. Allele origin: germline. Not counted in ClinVar's aggregate classification.
Comment: The NM_000018.3:c.603C>G (NP_000009.1:p.Tyr201Ter) [GRCH38: NC_000017.11:g.7221663C>G] variant in ACADVL gene is interpretated to be Pathogenic based on ACMG guidelines (PMID: 25741868). This variant has been reported. This variant meets the following evidence codes reported in the ACMG guidelines: PVS1, PS3

Blueprint Genetics
Classification: Likely pathogenic for ACADVL-related disorders. Last evaluated: 2018-05-07. Review status: criteria provided, single submitter. Criteria: ACMG Guidelines, 2015. Collection method: clinical testing. Allele origin: germline. Affected: yes. Observed: 1 variant allele. Not counted in ClinVar's aggregate classification.

Counsyl
Classification: Likely pathogenic for Very long chain acyl-CoA dehydrogenase deficiency. Last evaluated: 2017-10-23. Review status: no assertion criteria provided. Collection method: clinical testing. Allele origin: unknown. Not counted in ClinVar's aggregate classification.

Literature cited by the submitters: PubMed 9973285 (cited by Labcorp Genetics (formerly Invitae), Labcorp); PubMed 11590124 (cited by Labcorp Genetics (formerly Invitae), Labcorp); PubMed 32798077 (cited by Natera, Inc.); PubMed 25087612 (cited by Counsyl).

NM_000018.4(ACADVL):c.603C>G (p.Tyr201Ter)

Gene: ACADVL (acyl-CoA dehydrogenase very long chain; plus strand). Cytogenetic location: 17p13.1.
Variant type: single nucleotide variant.
Coding change: c.603C>G on transcript NM_000018.4 (MANE Select); coding-DNA position 603, C replaced by G.
Protein change: p.Tyr201Ter; replaces tyrosine 201 with a stop codon.
Molecular consequence: nonsense.
Genome position (GRCh38, 1-based): chr17:7,221,663, C>G. VCF-style: chr17-7221663-C-G. GRCh37 (hg19) VCF-style: chr17-7124982-C-G.
Other names: NM_000018.4(ACADVL):c.603C>G; p.Tyr201Ter; c.537C>G, p.Tyr179Ter (NM_001033859.3); c.672C>G, p.Tyr224Ter (NM_001270447.2); c.375C>G, p.Tyr125Ter (NM_001270448.2); short protein forms Y201*, Y224*, Y179*, Y125*.
Identifiers: ClinVar variation 554491 (VCV000554491.12), dbSNP rs371407903, ClinGen allele CA8337766.
Genomic context (GRCh38, chr17:7,221,663, plus strand): 5'-TCAGAGCATCGGTTTCAAAGGCATCCTGCTCTTTGGCACAAAGGCCCAGAAAGAAAAATA[C>G]CTCCCCAAGCTGGCATCTGGTGAGGCAACCCTAGGAGAGCCAGGGATTGGGGGGCACACT-3'